The following is an entry in ClinVar:

NM_001267550.2(TTN):c.9851A>G (p.Lys3284Arg)

Gene: TTN (titin; minus strand). Cytogenetic location: 2q31.2.
Variant type: single nucleotide variant.
Coding change: c.9851A>G on transcript NM_001267550.2 (MANE Select); coding-DNA position 9851, A replaced by G.
Protein change: p.Lys3284Arg; replaces lysine 3284 with arginine.
Molecular consequence: missense variant.
Genome position (GRCh38, 1-based): chr2:178,764,664, T>C on the plus strand (A>G on the coding strand, the complement: TTN is on the minus strand). VCF-style: chr2-178764664-T-C. GRCh37 (hg19) VCF-style: chr2-179629391-T-C.
Other names: p.K3284R:AAG>AGG; c.9851A>G, p.Lys3284Arg (NM_001256850.1, NM_133378.4, NM_133379.5); c.9713A>G, p.Lys3238Arg (NM_003319.4, NM_133432.3, NM_133437.4); short protein forms K3284R, K3238R.
Identifiers: ClinVar variation 203172 (VCV000203172.13), dbSNP rs147903846, ClinGen allele CA311567.
Genomic context (GRCh38, chr2:178,764,664, plus strand): 5'-TCTGGGAAGGCTTCAATTAGCAAAAGCGTGTATTCTTGCCCATCATGAAGAAATTTGCAC[T>C]TGAAGCCAGTGGAAAGCAGCTGCTCTTCCTTGTACCAGGAAATTTTGGGCTGTGGTCTTC-3'
Protein context (NP_001254479.2, residues 3274-3294): KEEQLLSTGF[Lys3284Arg]CKFLHDGQEY

ClinVar aggregate classification (germline): Conflicting classifications of pathogenicity. Review status: criteria provided, conflicting classifications (1 of 4 stars). 7 submissions from 7 submitters: Uncertain significance (4); Likely benign (3). Last evaluated 2025-04-09.

Conditions:
Dilated cardiomyopathy 1G (CMD1G). Identifiers: Orphanet 154, MedGen C1858763, MONDO:0011400, OMIM 604145.
Autosomal recessive limb-girdle muscular dystrophy type 2J (LGMDR10). Also called: MUSCULAR DYSTROPHY, LIMB-GIRDLE, AUTOSOMAL RECESSIVE 10; Limb-girdle muscular dystrophy, type 2J. Identifiers: Orphanet 140922, MedGen C1837342, MONDO:0012127, OMIM 608807.
Cardiovascular phenotype. Identifiers: MedGen CN230736.
Cardiomyopathy (CMYO). Also called: Cardiomyopathies. Identifiers: Orphanet 167848, MedGen C0878544, MONDO:0004994, HP:0001638. Inheritance: Various modes of inheritance.

Allele frequency attached by ClinVar (database versions not stated): gnomAD 0.00005; gnomAD exomes 0.00005 and 0.00009; TOPMed 0.00005; ExAC 0.00008; ESP Exome Variant Server 0.00023.
gnomAD v4.1: 146 of 1,614,102 alleles (0.009%); highest among the groups gnomAD compares: Middle Eastern, 0.033%; no homozygotes.

Submissions (7):

Molecular Diagnostic Laboratory for Inherited Cardiovascular Disease, Montreal Heart Institute
Classification: Likely benign. Last evaluated: 2025-04-09. Review status: criteria provided, single submitter. Criteria: ACMG Guidelines, 2015. Collection method: clinical testing. Allele origin: germline. Affected: no.

Women's Health and Genetics/Laboratory Corporation of America, LabCorp
Classification: Uncertain significance. Last evaluated: 2023-08-09. Review status: criteria provided, single submitter. Criteria: LabCorp Variant Classification Summary - May 2015. Collection method: clinical testing. Allele origin: germline.
Comment: Variant summary: TTN c.9851A>G (p.Lys3284Arg) results in a conservative amino acid change located in the I-Band of the encoded protein sequence. Three of five in-silico tools predict a damaging effect of the variant on protein function. The variant allele was found at a frequency of 4.8e-05 in 251034 control chromosomes (gnomAD). c.9851A>G has been reported in the literature in at least one individual affected with Dilated Cardiomyopathy without strong evidence of causality (Mazzarotto_2020). This report does not provide unequivocal conclusions about association of the variant with Dilated Cardiomyopathy. To our knowledge, no experimental evidence demonstrating an impact on protein function has been reported. The following publication has been ascertained in the context of this evaluation (PMID: 31983221). Five submitters have cited clinical-significance assessments for this variant to ClinVar after 2014, and classified it as uncertain significance (n=3) or likely benign (n=2). Based on the evidence outlined above, the variant was classified as uncertain significance.

CHEO Genetics Diagnostic Laboratory, Children's Hospital of Eastern Ontario
Classification: Uncertain significance for Cardiomyopathy. Last evaluated: 2022-02-16. Review status: criteria provided, single submitter. Criteria: ACMG Guidelines, 2015. Collection method: clinical testing. Allele origin: germline.

GeneDx
Classification: Likely benign. Last evaluated: 2020-10-29. Review status: criteria provided, single submitter. Criteria: GeneDx Variant Classification Process June 2021. Collection method: clinical testing. Allele origin: germline. Affected: yes.
Comment: This variant is associated with the following publications: (PMID: 31983221)

Ambry Genetics
Classification: Likely benign for Cardiovascular phenotype. Last evaluated: 2020-07-27. Review status: criteria provided, single submitter. Criteria: Ambry Variant Classification Scheme 2023. Collection method: clinical testing. Allele origin: germline.

Revvity Omics, Revvity
Classification: Uncertain significance. Last evaluated: 2019-10-08. Review status: criteria provided, single submitter. Criteria: ACMG Guidelines, 2015. Collection method: clinical testing. Allele origin: germline.

Labcorp Genetics (formerly Invitae), Labcorp
Classification: Uncertain significance for Dilated cardiomyopathy 1G; Autosomal recessive limb-girdle muscular dystrophy type 2J. Last evaluated: 2017-10-18. Review status: criteria provided, single submitter. Criteria: Invitae Variant Classification Sherloc (09022015). Collection method: clinical testing. Allele origin: germline.

Literature cited by the submitters: PubMed 31983221 (cited by Women's Health and Genetics/Laboratory Corporation of America, LabCorp).